The following is an entry in ClinVar:

NM_001282426.2(PIK3CG):c.2455G>T (p.Asp819Tyr)

Gene: PIK3CG (phosphatidylinositol-4,5-bisphosphate 3-kinase catalytic subunit gamma; plus strand). Cytogenetic location: 7q22.3.
Variant type: single nucleotide variant.
Coding change: c.2455G>T on transcript NM_001282426.2 (MANE Select); coding-DNA position 2455, G replaced by T.
Protein change: p.Asp819Tyr; replaces aspartic acid 819 with tyrosine.
Molecular consequence: missense variant.
Genome position (GRCh38, 1-based): chr7:106,879,582, G>T. VCF-style: chr7-106879582-G-T. GRCh37 (hg19) VCF-style: chr7-106520027-G-T.
Other names: c.2455G>T, p.Asp819Tyr (NM_001282427.2, NM_002649.3); short protein forms D819Y.
Identifiers: ClinVar variation 4988593 (VCV004988593.1).

ClinVar aggregate classification (germline): Uncertain significance (1 of 4 stars; one submission).

Conditions:
PIK3CG-related disorder. Also called: PIK3CG-related condition.

gnomAD v4.1: 1 of 1,612,518 alleles (0.000062%); highest among the groups gnomAD compares: Non-Finnish European, 0.000085%; no homozygotes.

Submission:

PreventionGenetics, part of Exact Sciences
Classification: Uncertain significance for PIK3CG-related condition. Last evaluated: 2025-06-21. Review status: criteria provided, single submitter. Criteria: ACMG Guidelines, 2015. Collection method: clinical testing. Allele origin: germline.
Comment: The PIK3CG c.2455G>T variant is predicted to result in the amino acid substitution p.Asp819Tyr. To our knowledge, this variant has not been reported in the literature or in a large population database (gnomAD), indicating this variant is rare. At this time, the clinical significance of this variant is uncertain due to the absence of conclusive functional and genetic evidence.